The following is an entry in ClinVar:

NC_000015.10:g.84817116C>A

Gene: ALPK3 (alpha kinase 3; plus strand). Cytogenetic location: 15q25.3.
Variant type: single nucleotide variant.
Genome position: GRCh38 VCF-style: chr15-84817116-C-A. GRCh37 (hg19) VCF-style: chr15-85360347-C-A.
Identifiers: ClinVar variation 4781823 (VCV004781823.2).
Genomic context (GRCh38, chr15:84,817,116, plus strand): 5'-GGCCGGCCGGGAGCCGGGTCCCGGGAGCTCCACGAAGGGGCCTGTCCTCCATGACCAGGA[C>A]ACCCGCTGCGCCTTCCTCCCGAGGCCTCCCGGGCCTCTCCAGACGCGGCGCTACTGCAGA-3'

ClinVar aggregate classification (germline): Uncertain significance. Review status: criteria provided, multiple submitters, no conflicts (2 of 4 stars). 2 submissions from 2 submitters: Uncertain significance (2). Last evaluated 2025-12-20.

Conditions:
ALPK3-related disorder. Also called: ALPK3-related condition.

Submissions (2):

Labcorp Genetics (formerly Invitae), Labcorp
Classification: Uncertain significance. Last evaluated: 2025-12-20. Review status: criteria provided, single submitter. Criteria: Invitae Variant Classification Sherloc (09022015). Collection method: clinical testing. Allele origin: germline.
Comment: This sequence change replaces aspartic acid, which is acidic and polar, with glutamic acid, which is acidic and polar, at codon 90 of the ALPK3 protein (p.Asp90Glu). The frequency data for this variant in the population databases is considered unreliable, as metrics indicate poor data quality at this position in the gnomAD database. This variant has not been reported in the literature in individuals affected with ALPK3-related conditions. An algorithm developed to predict the effect of missense changes on protein structure and function outputs the following: PolyPhen-2: "Benign". The glutamic acid amino acid residue is found in multiple mammalian species, which suggests that this missense change does not adversely affect protein function. In summary, the available evidence is currently insufficient to determine the role of this variant in disease. Therefore, it has been classified as a Variant of Uncertain Significance.

PreventionGenetics, part of Exact Sciences
Classification: Uncertain significance for ALPK3-related condition. Last evaluated: 2025-08-12. Review status: criteria provided, single submitter. Criteria: ACMG Guidelines, 2015. Collection method: clinical testing. Allele origin: germline.
Comment: The ALPK3 c.270C>A variant is predicted to result in the amino acid substitution p.Asp90Glu. To our knowledge, this variant has not been reported in the literature. This variant is reported in 0.0013% of alleles in individuals of European (Non-Finnish) descent in gnomAD. At this time, the clinical significance of this variant is uncertain due to the absence of conclusive functional and genetic evidence.